The following is an entry in ClinVar:

ClinVar aggregate classification (germline): Pathogenic (1 of 4 stars; one submission).

Conditions:
Neurofibromatosis, type 1 (NF1). Also called: VON RECKLINGHAUSEN DISEASE; NEUROFIBROMATOSIS, TYPE I, SOMATIC; Peripheral type neurofibromatosis; Neurofibromatosis, type I. Identifiers: Orphanet 636, MedGen C0027831, MONDO:0018975, OMIM 162200. Disease mechanism: loss of function.

Submission:

Labcorp Genetics (formerly Invitae), Labcorp
Classification: Pathogenic for Neurofibromatosis, type 1. Last evaluated: 2019-06-22. Review status: criteria provided, single submitter. Criteria: Invitae Variant Classification Sherloc (09022015). Collection method: clinical testing. Allele origin: germline.
Comment: For these reasons, this variant has been classified as Pathogenic. Loss-of-function variants in NF1 are known to be pathogenic (PMID: 10712197, 23913538). This variant has not been reported in the literature in individuals with NF1-related conditions. This variant is not present in population databases (ExAC no frequency). This sequence change creates a premature translational stop signal (p.Trp1538Thrfs*16) in the NF1 gene. It is expected to result in an absent or disrupted protein product.

Literature cited by the submitters: PubMed 10712197; PubMed 23913538.

NM_001042492.3(NF1):c.4673_4674dup (p.Trp1559fs)

Gene: NF1 (neurofibromin 1; plus strand). Cytogenetic location: 17q11.2.
Variant type: Microsatellite.
Coding change: c.4673_4674dup on transcript NM_001042492.3 (MANE Select); coding-DNA positions 4673 to 4674, 2 bases duplicated (AC; older notation c.4673_4674dupAC).
Protein change: p.Trp1559fs; shifts the reading frame from tryptophan 1559.
Molecular consequence: frameshift variant.
Genome position (GRCh38, 1-based): chr17:31,261,806-31,261,807, AC duplicated; duplicating any 2 consecutive bases within chr17:31,261,802-31,261,807 gives the same sequence; the c. name uses the placement nearest the transcript's 3' end. VCF-style (leftmost placement, unchanged base first): chr17-31261801-T-TAC. GRCh37 (hg19) VCF-style: chr17-29588819-T-TAC.
Other names: c.4606_4607AC[4], p.Trp1538Thrfs (NM_000267.4); short protein forms W1538fs, W1559fs.
Identifiers: ClinVar variation 950616 (VCV000950616.6), dbSNP rs2067691394, ClinGen allele CA2255577437.